The following is an entry in ClinVar:

NM_020937.4(FANCM):c.4001A>C (p.Lys1334Thr)

Gene: FANCM (FA complementation group M; plus strand). Cytogenetic location: 14q21.2.
Variant type: single nucleotide variant.
Coding change: c.4001A>C on transcript NM_020937.4 (MANE Select); coding-DNA position 4001, A replaced by C.
Protein change: p.Lys1334Thr; replaces lysine 1334 with threonine.
Molecular consequence: missense variant.
Genome position (GRCh38, 1-based): chr14:45,176,755, A>C. VCF-style: chr14-45176755-A-C. GRCh37 (hg19) VCF-style: chr14-45645958-A-C.
Other names: c.3923A>C, p.Lys1308Thr (NM_001308133.2); short protein forms K1308T, K1334T.
Identifiers: ClinVar variation 4533132 (VCV004533132.2).

ClinVar aggregate classification (germline): Uncertain significance. Review status: criteria provided, multiple submitters, no conflicts (2 of 4 stars). 2 submissions from 2 submitters: Uncertain significance (2). Last evaluated 2026-04-19.

Conditions:
Inborn genetic diseases. Identifiers: MedGen C0950123, MeSH D030342.

Submissions (2):

Ambry Genetics
Classification: Uncertain significance for Inborn genetic diseases. Last evaluated: 2026-04-19. Review status: criteria provided, single submitter. Criteria: Ambry Variant Classification Scheme 2023. Collection method: clinical testing. Allele origin: germline.
Comment: The p.K1334T variant (also known as c.4001A>C), located in coding exon 14 of the FANCM gene, results from an A to C substitution at nucleotide position 4001. The lysine at codon 1334 is replaced by threonine, an amino acid with similar properties. This amino acid position is conserved. In addition, this alteration is predicted to be tolerated by in silico analysis. Based on the available evidence, the clinical significance of this variant remains unclear.

Quest Diagnostics Nichols Institute San Juan Capistrano
Classification: Uncertain significance. Last evaluated: 2025-03-04. Review status: criteria provided, single submitter. Criteria: Quest Diagnostics criteria. Collection method: clinical testing. Allele origin: unknown.
Comment: The FANCM c.4001A>C (p.Lys1334Thr) variant has not been reported in individuals with FANCM-related conditions in the published literature. It also has not been reported in large, multi-ethnic general populations (Genome Aggregation Database). Analysis of this variant using bioinformatics tools for the prediction of the effect of amino acid changes on protein structure and function yielded predictions that this variant is benign. Based on the available information, we are unable to determine the clinical significance of this variant.